The following is an entry in ClinVar:

NM_000587.4(C7):c.1985G>A (p.Gly662Asp)

Gene: C7 (complement C7; plus strand). Cytogenetic location: 5p13.1.
Variant type: single nucleotide variant.
Coding change: c.1985G>A on transcript NM_000587.4 (MANE Select); coding-DNA position 1985, G replaced by A.
Protein change: p.Gly662Asp; replaces glycine 662 with aspartic acid.
Molecular consequence: missense variant.
Genome position (GRCh38, 1-based): chr5:40,972,505, G>A. VCF-style: chr5-40972505-G-A. GRCh37 (hg19) VCF-style: chr5-40972607-G-A.
Other names: c.1985G>A (NM_000587.2); short protein forms G662D.
Identifiers: ClinVar variation 1051543 (VCV001051543.6), dbSNP rs182329562, ClinGen allele CA3250164.

ClinVar aggregate classification (germline): Uncertain significance. Review status: criteria provided, multiple submitters, no conflicts (2 of 4 stars). 2 submissions from 2 submitters: Uncertain significance (2). Last evaluated 2026-01-15.

Conditions:
Inborn genetic diseases. Identifiers: MedGen C0950123, MeSH D030342.

Allele frequency attached by ClinVar (database versions not stated): TOPMed 0.00003; gnomAD 0.00004 and 0.00006; ExAC 0.00005; gnomAD exomes 0.00005; 1000 Genomes Project 0.00040; 1000 Genomes Project 30x 0.00062.
gnomAD v4.1: 142 of 1,613,818 alleles (0.0088%); highest among the groups gnomAD compares: Non-Finnish European, 0.011%; 1 homozygote.

Submissions (2):

Labcorp Genetics (formerly Invitae), Labcorp
Classification: Uncertain significance. Last evaluated: 2026-01-15. Review status: criteria provided, single submitter. Criteria: Invitae Variant Classification Sherloc (09022015). Collection method: clinical testing. Allele origin: germline.
Comment: This sequence change replaces glycine, which is neutral and non-polar, with aspartic acid, which is acidic and polar, at codon 662 of the C7 protein (p.Gly662Asp). This variant is present in population databases (rs182329562, gnomAD 0.01%). This variant has not been reported in the literature in individuals affected with C7-related conditions. ClinVar contains an entry for this variant (Variation ID: 1051543). Invitae Evidence Modeling of protein sequence and biophysical properties (such as structural, functional, and spatial information, amino acid conservation, physicochemical variation, residue mobility, and thermodynamic stability) indicates that this missense variant is not expected to disrupt C7 protein function with a negative predictive value of 80%. In summary, the available evidence is currently insufficient to determine the role of this variant in disease. Therefore, it has been classified as a Variant of Uncertain Significance.

Ambry Genetics
Classification: Uncertain significance for Inborn genetic diseases. Last evaluated: 2024-04-01. Review status: criteria provided, single submitter. Criteria: Ambry Variant Classification Scheme 2023. Collection method: clinical testing. Allele origin: germline.